The following is an entry in ClinVar:

ClinVar aggregate classification (germline): Uncertain significance. Review status: criteria provided, multiple submitters, no conflicts (2 of 4 stars). 5 submissions from 4 submitters: Uncertain significance (5). Last evaluated 2026-05-23.

Conditions:
USH2A-related disorder. Also called: USH2A-related condition; USH2A-related disorders. Identifiers: MedGen CN239332.
Retinitis pigmentosa 39 (RP39). Identifiers: Orphanet 791, MedGen C3151138, MONDO:0013436, OMIM 613809.
Usher syndrome type 2A. Also called: RETINAL DISEASE IN USHER SYNDROME TYPE IIA, MODIFIER OF; USHER SYNDROME, TYPE IIA. Identifiers: Orphanet 231178, Orphanet 886, MedGen C1848634, MONDO:0010169, OMIM 276901.

Allele frequency attached by ClinVar (database versions not stated): gnomAD exomes 0.00001 and 0.00003; ExAC 0.00003; gnomAD 0.00004 and 0.00009; TOPMed 0.00009.
gnomAD v4.1: 28 of 1,613,962 alleles (0.0017%); highest among the groups gnomAD compares: Admixed American, 0.0033%; no homozygotes.

Submissions (5):

PreventionGenetics, part of Exact Sciences
Classification: Uncertain significance for USH2A-related condition. Last evaluated: 2026-05-23. Review status: criteria provided, single submitter. Criteria: ACMG Guidelines, 2015. Collection method: clinical testing. Allele origin: germline.
Comment: The USH2A c.12818A>G variant is predicted to result in the amino acid substitution p.Tyr4273Cys. To our knowledge, this variant has not been reported in the literature. This variant is reported in 0.0056% of alleles in individuals of Latino descent in gnomAD. At this time, the clinical significance of this variant is uncertain due to the absence of conclusive functional and genetic evidence.

Genome-Nilou Lab
Classification: Uncertain significance for Retinitis pigmentosa 39. Last evaluated: 2023-11-04. Review status: criteria provided, single submitter. Criteria: ACMG Guidelines, 2015. Collection method: clinical testing. Allele origin: germline. Affected: no.

Genome-Nilou Lab
Classification: Uncertain significance for Usher syndrome type 2A. Last evaluated: 2023-11-04. Review status: criteria provided, single submitter. Criteria: ACMG Guidelines, 2015. Collection method: clinical testing. Allele origin: germline. Affected: no.

Labcorp Genetics (formerly Invitae), Labcorp
Classification: Uncertain significance. Last evaluated: 2022-06-27. Review status: criteria provided, single submitter. Criteria: Invitae Variant Classification Sherloc (09022015). Collection method: clinical testing. Allele origin: germline.
Comment: This sequence change replaces tyrosine, which is neutral and polar, with cysteine, which is neutral and slightly polar, at codon 4273 of the USH2A protein (p.Tyr4273Cys). This variant is present in population databases (rs777874309, gnomAD 0.006%). This variant has not been reported in the literature in individuals affected with USH2A-related conditions. ClinVar contains an entry for this variant (Variation ID: 1312167). Algorithms developed to predict the effect of missense changes on protein structure and function output the following: SIFT: "Tolerated"; PolyPhen-2: "Benign"; Align-GVGD: "Class C15". The cysteine amino acid residue is found in multiple mammalian species, which suggests that this missense change does not adversely affect protein function. In summary, the available evidence is currently insufficient to determine the role of this variant in disease. Therefore, it has been classified as a Variant of Uncertain Significance.

GeneDx
Classification: Uncertain significance. Last evaluated: 2019-09-06. Review status: criteria provided, single submitter. Criteria: GeneDx Variant Classification Process June 2021. Collection method: clinical testing. Allele origin: germline. Affected: yes.
Comment: Not observed at a significant frequency in large population cohorts (Lek et al., 2016); In silico analysis, which includes protein predictors and evolutionary conservation, supports a deleterious effect; Has not been previously published as pathogenic or benign to our knowledge

NM_206933.4(USH2A):c.12818A>G (p.Tyr4273Cys)

Gene: USH2A (usherin; minus strand). Cytogenetic location: 1q41.
Variant type: single nucleotide variant.
Coding change: c.12818A>G on transcript NM_206933.4 (MANE Select); coding-DNA position 12818, A replaced by G.
Protein change: p.Tyr4273Cys; replaces tyrosine 4273 with cysteine.
Molecular consequence: missense variant.
Genome position (GRCh38, 1-based): chr1:215,675,093, T>C on the plus strand (A>G on the coding strand, the complement: USH2A is on the minus strand). VCF-style: chr1-215675093-T-C. GRCh37 (hg19) VCF-style: chr1-215848435-T-C.
Other names: short protein forms Y4273C.
Identifiers: ClinVar variation 1312167 (VCV001312167.6), dbSNP rs777874309, ClinGen allele CA1393403.